The following is an entry in ClinVar:

ClinVar aggregate classification (germline): Likely benign (1 of 4 stars; one submission).

Submission:

CeGaT Center for Human Genetics Tuebingen
Classification: Likely benign. Last evaluated: 2025-01-01. Review status: criteria provided, single submitter. Criteria: CeGaT Center For Human Genetics Tuebingen Variant Classification Criteria Version 2. Collection method: clinical testing. Allele origin: germline. Affected: yes. Observed: 2 variant alleles.
Comment: MUC5B: BP4, BS1

NM_002458.3(MUC5B):c.11515A>G (p.Thr3839Ala)

Genes: MUC5B (mucin 5B, oligomeric mucus/gel-forming; plus strand), MUC5B-AS1 (MUC5B antisense RNA 1; minus strand). Cytogenetic location: 11p15.5.
Variant type: single nucleotide variant.
Coding change: c.11515A>G on transcript NM_002458.3 (MANE Select); coding-DNA position 11515, A replaced by G.
Protein change: p.Thr3839Ala; replaces threonine 3839 with alanine.
Molecular consequence: missense variant.
Genome position (GRCh38, 1-based): chr11:1,248,395, A>G. VCF-style: chr11-1248395-A-G. GRCh37 (hg19) VCF-style: chr11-1269625-A-G.
Other names: short protein forms T3839A.
Identifiers: ClinVar variation 3388010 (VCV003388010.14).